The following is an entry in ClinVar:

NM_001267550.2(TTN):c.104771C>A (p.Ser34924Ter)

Genes: TTN-AS1 (TTN antisense RNA 1; plus strand), TTN (titin; minus strand). Cytogenetic location: 2q31.2.
Variant type: single nucleotide variant.
Coding change: c.104771C>A on transcript NM_001267550.2 (MANE Select); coding-DNA position 104771, C replaced by A.
Protein change: p.Ser34924Ter; replaces serine 34924 with a stop codon.
Molecular consequence: nonsense.
Genome position (GRCh38, 1-based): chr2:178,531,844, G>T on the plus strand (C>A on the coding strand, the complement: TTN is on the minus strand). VCF-style: chr2-178531844-G-T. GRCh37 (hg19) VCF-style: chr2-179396571-G-T.
Other names: c.99848C>A, p.Ser33283Ter (NM_001256850.1); c.77576C>A, p.Ser25859Ter (NM_003319.4); c.97067C>A, p.Ser32356Ter (NM_133378.4); c.77951C>A, p.Ser25984Ter (NM_133432.3); c.78152C>A, p.Ser26051Ter (NM_133437.4); short protein forms S34924*, S33283*, S32356*, S25859*, S25984*, S26051*.
Identifiers: ClinVar variation 582494 (VCV000582494.11), dbSNP rs1559003939, ClinGen allele CA349410960.

ClinVar aggregate classification (germline): Likely pathogenic. Review status: criteria provided, multiple submitters, no conflicts (2 of 4 stars). 2 submissions from 2 submitters: Likely pathogenic (2). Last evaluated 2023-12-06.

Conditions:
Autosomal recessive limb-girdle muscular dystrophy type 2J (LGMDR10). Also called: Limb-girdle muscular dystrophy, type 2J; MUSCULAR DYSTROPHY, LIMB-GIRDLE, AUTOSOMAL RECESSIVE 10. Identifiers: Orphanet 140922, MedGen C1837342, MONDO:0012127, OMIM 608807.
Dilated cardiomyopathy 1G (CMD1G). Identifiers: Orphanet 154, MedGen C1858763, MONDO:0011400, OMIM 604145.
Primary familial dilated cardiomyopathy (FDC). Also called: Familial dilated cardiomyopathy; Hypokinetic dilated cardiomyopathy, familial. Identifiers: Orphanet 217607, MedGen C0340427, MONDO:0016333.

Submissions (2):

Labcorp Genetics (formerly Invitae), Labcorp
Classification: Likely pathogenic for Dilated cardiomyopathy 1G; Autosomal recessive limb-girdle muscular dystrophy type 2J. Last evaluated: 2023-12-06. Review status: criteria provided, single submitter. Criteria: Invitae Variant Classification Sherloc (09022015). Collection method: clinical testing. Allele origin: germline.
Comment: This sequence change creates a premature translational stop signal (p.Ser34924*) in the TTN gene. While this is not anticipated to result in nonsense mediated decay, it is expected to create a truncated TTN protein. This variant is not present in population databases (gnomAD no frequency). This premature translational stop signal has been observed in individual(s) with dilated cardiomyopathy (PMID: 32815318). ClinVar contains an entry for this variant (Variation ID: 582494). This variant is located in the M band of TTN (PMID: 25589632). Truncating variants in this region have been previously reported in individuals affected with autosomal recessive myopathy and muscular dystrophy (PMID: 18948003, 23975875, 24395473). Truncating variants in this region have also been identified in individuals affected with autosomal dominant dilated cardiomyopathy and/or cardio-related conditions (PMID: 27869827, 32964742). In summary, the currently available evidence indicates that the variant is pathogenic, but additional data are needed to prove that conclusively. Therefore, this variant has been classified as Likely Pathogenic.

Women's Health and Genetics/Laboratory Corporation of America, LabCorp
Classification: Likely pathogenic for Primary familial dilated cardiomyopathy. Last evaluated: 2021-04-09. Review status: criteria provided, single submitter. Criteria: LabCorp Variant Classification Summary - May 2015. Collection method: clinical testing. Allele origin: germline.
Comment: Variant summary: TTN c.97067C>A (p.Ser32356X) results in a premature termination codon, predicted to cause a truncation of the encoded protein or absence of the protein due to nonsense mediated decay, which are known mechanisms of disease for variants located in exons that are highly expressed in cardiac tissues. The variant, c.97067C>A, is located in the M-band region and has been reported to be highly expressed in cardiac isoforms (PSI=100%); therefore truncating mutations in this region may be associated with disease. The variant was absent in 248540 control chromosomes (gnomAD). c.97067C>A has been reported in the literature in at least one individual affected with Dilated Cardiomyopathy (under transcript NM_001267550 as c.104771C>A, p.Ser34924X) . This report does not provide unequivocal conclusions about association of the variant with Dilated Cardiomyopathy. To our knowledge, no experimental evidence demonstrating an impact on protein function has been reported. One other clinical diagnostic laboratory has submitted clinical-significance assessments for this variant to ClinVar after 2014 without evidence for independent evaluation and cited the variant as likely pathogenic. Based on the evidence outlined above, the variant was classified as likely pathogenic.

Literature cited by the submitters: PubMed 32815318 (cited by Labcorp Genetics (formerly Invitae), Labcorp and Women's Health and Genetics/Laboratory Corporation of America, LabCorp); PubMed 25589632 (cited by Labcorp Genetics (formerly Invitae), Labcorp); PubMed 18948003 (cited by Labcorp Genetics (formerly Invitae), Labcorp); PubMed 23975875 (cited by Labcorp Genetics (formerly Invitae), Labcorp); PubMed 24395473 (cited by Labcorp Genetics (formerly Invitae), Labcorp); PubMed 27869827 (cited by Labcorp Genetics (formerly Invitae), Labcorp); PubMed 32964742 (cited by Labcorp Genetics (formerly Invitae), Labcorp).